The following is an entry in ClinVar:

NM_007294.4(BRCA1):c.5467+15T>C

Gene: BRCA1 (BRCA1 DNA repair associated; minus strand). Cytogenetic location: 17q21.31.
Variant type: single nucleotide variant.
Coding change: c.5467+15T>C on transcript NM_007294.4 (MANE Select); 15 bases into the intron after coding-DNA position 5467, T replaced by C.
Molecular consequence: intron variant.
Genome position (GRCh38, 1-based): chr17:43,047,628, A>G on the plus strand (T>C on the coding strand, the complement: BRCA1 is on the minus strand). VCF-style: chr17-43047628-A-G. GRCh37 (hg19) VCF-style: chr17-41199645-A-G.
Other names: c.5467+15T>C (NM_001407605.1, NM_001407594.1, NM_001407593.1 and 5 more transcripts); c.5254+15T>C (NM_001407902.1, NM_001407897.1, NM_001407908.1 and 12 more transcripts); c.2077+15T>C (NM_001408414.1, NM_001408415.1, NM_001408412.1 and 2 more transcripts); c.2080+15T>C (NM_001408411.1); c.5389+15T>C (NM_001407655.1, NM_001407654.1, NM_001407652.1 and 1 more transcripts); c.5128+15T>C (NM_001407956.1, NM_001407957.1, NM_001407958.1); c.5134+15T>C (NM_001407947.1, NM_001407949.1, NM_001407946.1 and 1 more transcripts); c.1231+15T>C (NM_001408514.1); and 83 more.
Identifiers: ClinVar variation 628791 (VCV000628791.14), dbSNP rs1231236572, ClinGen allele CA913187704.

ClinVar aggregate classification (germline): Likely benign. Review status: criteria provided, multiple submitters, no conflicts (2 of 4 stars). 2 submissions from 2 submitters: Likely benign (2). Last evaluated 2025-03-05.

Conditions:
Hereditary cancer-predisposing syndrome. Also called: Hereditary neoplastic syndrome; Tumor predisposition; Hereditary Cancer Syndrome; Neoplastic Syndromes, Hereditary. Identifiers: Orphanet 140162, MedGen C0027672, MeSH D009386, MONDO:0015356.
Hereditary breast ovarian cancer syndrome. Also called: Hereditary breast and ovarian cancer syndrome (HBOC); Hereditary breast and ovarian cancer; BRCA1- and BRCA2-Associated Hereditary Breast and Ovarian Cancer; Breast and ovarian cancer; Hereditary breast and ovarian cancer syndrome; Hereditary breast and/or ovarian cancer syndrome. Identifiers: Orphanet 145, MedGen C0677776, MeSH D061325, MONDO:0003582. Disease mechanism: loss of function.

Submissions (3):

Labcorp Genetics (formerly Invitae), Labcorp
Classification: Likely benign for Hereditary breast ovarian cancer syndrome. Last evaluated: 2025-03-05. Review status: criteria provided, single submitter. Criteria: Invitae Variant Classification Sherloc (09022015). Collection method: clinical testing. Allele origin: germline.

Color Diagnostics, LLC DBA Color Health
Classification: Likely benign for Hereditary cancer-predisposing syndrome. Last evaluated: 2018-07-03. Review status: criteria provided, single submitter. Criteria: ACMG Guidelines, 2015. Collection method: clinical testing. Allele origin: germline.

Brotman Baty Institute, University of Washington
No classification provided (evidence only). Condition: Breast-ovarian cancer, familial 1. Review status: no classification provided. Collection method: in vitro. Allele origin: not applicable. Functional consequence: functionally_normal. Not counted in ClinVar's aggregate classification.
ClinVar note: "not provided" was previously submitted as the classification for the variant. However, the classification appeared to be based only on an observation of functional data so it was converted to no classification on 2025-07-30.